The following is an entry in ClinVar:

NM_022765.4(MICAL1):c.1944+4G>A

Gene: MICAL1 (microtubule associated monooxygenase, calponin and LIM domain containing 1; minus strand). Cytogenetic location: 6q21.
Variant type: single nucleotide variant.
Coding change: c.1944+4G>A on transcript NM_022765.4 (MANE Select); 4 bases into the intron after coding-DNA position 1944, G replaced by A.
Molecular consequence: intron variant.
Genome position (GRCh38, 1-based): chr6:109,447,871, C>T on the plus strand (G>A on the coding strand, the complement: MICAL1 is on the minus strand). VCF-style: chr6-109447871-C-T. GRCh37 (hg19) VCF-style: chr6-109769074-C-T.
Other names: c.2001+4G>A (NM_001286613.2); c.1686+4G>A (NM_001159291.2).
Identifiers: ClinVar variation 2968719 (VCV002968719.3), dbSNP rs1457323760, ClinGen allele CA817049033.

ClinVar aggregate classification (germline): Uncertain significance (1 of 4 stars; one submission).

Allele frequency attached by ClinVar (database versions not stated): gnomAD exomes below 0.00001; TOPMed 0.00001; gnomAD 0.00001.
gnomAD v4.1: 2 of 1,613,066 alleles (0.00012%); highest among the groups gnomAD compares: African/African-American, 0.0027%; no homozygotes.

Submission:

Labcorp Genetics (formerly Invitae), Labcorp
Classification: Uncertain significance. Last evaluated: 2026-01-28. Review status: criteria provided, single submitter. Criteria: Invitae Variant Classification Sherloc (09022015). Collection method: clinical testing. Allele origin: germline.
Comment: This sequence change falls in intron 14 of the MICAL1 gene. It does not directly change the encoded amino acid sequence of the MICAL1 protein. It affects a nucleotide within the consensus splice site. This variant is not present in population databases (gnomAD no frequency). This variant has not been reported in the literature in individuals affected with MICAL1-related conditions. ClinVar contains an entry for this variant (Variation ID: 2968719). Variants that disrupt the consensus splice site are a relatively common cause of aberrant splicing (PMID: 17576681, 9536098). Algorithms developed to predict the effect of sequence changes on RNA splicing suggest that this variant is not likely to affect RNA splicing. In summary, the available evidence is currently insufficient to determine the role of this variant in disease. Therefore, it has been classified as a Variant of Uncertain Significance.

Literature cited by the submitters: PubMed 17576681; PubMed 9536098.